The following is an entry in ClinVar:

ClinVar aggregate classification (germline): Uncertain significance (1 of 4 stars; one submission).

gnomAD v4.1: 6 of 1,211,346 alleles (0.0005%); highest among the groups gnomAD compares: Non-Finnish European, 0.00067%; no homozygotes.

Submission:

GeneDx
Classification: Uncertain significance. Last evaluated: 2021-10-07. Review status: criteria provided, single submitter. Criteria: GeneDx Variant Classification Process June 2021. Collection method: clinical testing. Allele origin: germline. Affected: yes.
Comment: Not observed at significant frequency in large population cohorts (Lek et al., 2016); In silico analysis supports that this missense variant has a deleterious effect on protein structure/function; In silico analysis suggests this variant may impact gene splicing. In the absence of RNA/functional studies, the actual effect of this sequence change is unknown.; Has not been previously published as pathogenic or benign to our knowledge

NM_153252.5(BRWD3):c.2083A>C (p.Asn695His)

Gene: BRWD3 (bromodomain and WD repeat domain containing 3; minus strand). Cytogenetic location: Xq21.1.
Variant type: single nucleotide variant.
Coding change: c.2083A>C on transcript NM_153252.5 (MANE Select); coding-DNA position 2083, A replaced by C.
Protein change: p.Asn695His; replaces asparagine 695 with histidine.
Molecular consequence: missense variant.
Genome position (GRCh38, 1-based): chrX:80,717,721, T>G on the plus strand (A>C on the coding strand, the complement: BRWD3 is on the minus strand). VCF-style: chrX-80717721-T-G. GRCh37 (hg19) VCF-style: chrX-79973220-T-G.
Other names: short protein forms N695H.
Identifiers: ClinVar variation 1321736 (VCV001321736.2), dbSNP rs189045413, ClinGen allele CA413633567.